The following is an entry in ClinVar:

NM_152431.3(PIWIL4):c.1392G>A (p.Val464=)

Genes: PIWIL4 (piwi like RNA-mediated gene silencing 4; plus strand), PIWIL4-AS1 (PIWIL4 antisense RNA 1; minus strand). Cytogenetic location: 11q21.
Variant type: single nucleotide variant.
Coding change: c.1392G>A on transcript NM_152431.3 (MANE Select); coding-DNA position 1392, G replaced by A.
Protein change: p.Val464=; no amino-acid change (valine 464 retained).
Molecular consequence: synonymous variant.
Genome position (GRCh38, 1-based): chr11:94,601,806, G>A. VCF-style: chr11-94601806-G-A. GRCh37 (hg19) VCF-style: chr11-94334972-G-A.
Identifiers: ClinVar variation 2642297 (VCV002642297.24), dbSNP rs146142445, ClinGen allele CA6236491.

ClinVar aggregate classification (germline): Likely benign (1 of 4 stars; one submission).

Allele frequency attached by ClinVar (database versions not stated): gnomAD exomes 0.00018; ExAC 0.00069; gnomAD 0.00186; TOPMed 0.00210; ESP Exome Variant Server 0.00238; 1000 Genomes Project 0.00260; 1000 Genomes Project 30x 0.00281.

Submission:

CeGaT Center for Human Genetics Tuebingen
Classification: Likely benign. Last evaluated: 2022-10-01. Review status: criteria provided, single submitter. Criteria: CeGaT Center For Human Genetics Tuebingen Variant Classification Criteria Version 2. Collection method: clinical testing. Allele origin: germline. Affected: yes. Observed: 1 variant allele.
Comment: PIWIL4: BP4, BP7